The following is an entry in ClinVar:

NM_001377.3(DYNC2H1):c.9819+2T>A

Gene: DYNC2H1 (dynein cytoplasmic 2 heavy chain 1; plus strand). Cytogenetic location: 11q22.3.
Variant type: single nucleotide variant.
Coding change: c.9819+2T>A on transcript NM_001377.3 (MANE Select); the canonical splice donor site of the intron after coding-DNA position 9819, T replaced by A.
Molecular consequence: splice donor variant.
Genome position (GRCh38, 1-based): chr11:103,236,541, T>A. VCF-style: chr11-103236541-T-A. GRCh37 (hg19) VCF-style: chr11-103107270-T-A.
Other names: c.9819+2T>A (NM_001080463.2).
Identifiers: ClinVar variation 4081643 (VCV004081643.1).

ClinVar aggregate classification (germline): Likely pathogenic (1 of 4 stars; one submission).

Conditions:
Asphyxiating thoracic dystrophy 3. Also called: SHORT-RIB THORACIC DYSPLASIA 3 WITH OR WITHOUT POLYDACTYLY; SHORT-RIB THORACIC DYSPLASIA 3/6 WITH POLYDACTYLY, DIGENIC; POLYDACTYLY WITH NEONATAL CHONDRODYSTROPHY, TYPE I; Short rib polydactyly syndrome 2B; Saldino-Noonan Syndrome. Identifiers: Orphanet 474, Orphanet 93269, Orphanet 93270, Orphanet 93271, MedGen C0036069, MONDO:0013127, OMIM 613091.

Submission:

Myriad Genetics, Inc.
Classification: Likely pathogenic for Asphyxiating thoracic dystrophy 3. Last evaluated: 2025-05-23. Review status: criteria provided, single submitter. Criteria: Myriad Autosomal Dominant, Autosomal Recessive and X-Linked Classification Criteria (2023). Collection method: clinical testing. Allele origin: unknown.
Comment: NM_001377.2(DYNC2H1):c.9819+2T>A is a variant in a canonical splice site classified as likely pathogenic in the context of DYNC2H1-related disorders. c.9819+2T>A has been observed in a case with relevant disease (PMID: 35929941). Relevant functional assessments of this variant are not available in the literature. c.9819+2T>A has not been observed in referenced population frequency databases. In summary, NM_001377.2(DYNC2H1):c.9819+2T>A is a variant in a canonical splice site in a gene where loss of function is a known mechanism of disease and is predicted to disrupt protein function. Please note: this variant was assessed in the context of healthy population screening.

Literature cited by the submitters: PubMed 35929941.